The following is an entry in ClinVar:

ClinVar aggregate classification (germline): Likely pathogenic (1 of 4 stars; one submission).

Conditions:
Fanconi anemia (FA). Also called: Fanconi's anemia. Identifiers: Orphanet 84, MedGen C0015625, MeSH D005199, MONDO:0019391.

Submission:

Labcorp Genetics (formerly Invitae), Labcorp
Classification: Likely pathogenic for Fanconi anemia. Last evaluated: 2021-01-30. Review status: criteria provided, single submitter. Criteria: Invitae Variant Classification Sherloc (09022015). Collection method: clinical testing. Allele origin: germline.
Comment: In summary, the currently available evidence indicates that the variant is pathogenic, but additional data are needed to prove that conclusively. Therefore, this variant has been classified as Likely Pathogenic. Algorithms developed to predict the effect of sequence changes on RNA splicing suggest that this variant may disrupt the consensus splice site, but this prediction has not been confirmed by published transcriptional studies. This variant has not been reported in the literature in individuals with FANCM-related conditions. This variant is not present in population databases (ExAC no frequency). This sequence change affects a donor splice site in intron 3 of the FANCM gene. It is expected to disrupt RNA splicing. Variants that disrupt the donor or acceptor splice site typically lead to a loss of protein function (PMID: 16199547), and loss-of-function variants in FANCM are known to be pathogenic (PMID: 29895858, 30075111).

Literature cited by the submitters: PubMed 16199547; PubMed 29895858; PubMed 30075111.

NM_020937.4(FANCM):c.759+2T>C

Gene: FANCM (FA complementation group M; plus strand). Cytogenetic location: 14q21.2.
Variant type: single nucleotide variant.
Coding change: c.759+2T>C on transcript NM_020937.4 (MANE Select); the canonical splice donor site of the intron after coding-DNA position 759, T replaced by C.
Molecular consequence: splice donor variant. On other transcripts: intron variant (1).
Genome position (GRCh38, 1-based): chr14:45,140,711, T>C. VCF-style: chr14-45140711-T-C. GRCh37 (hg19) VCF-style: chr14-45609914-T-C.
Other names: c.681+3470T>C (NM_001308133.2); c.759+2T>C (NM_001308134.2).
Identifiers: ClinVar variation 1469330 (VCV001469330.8), dbSNP rs902753970, ClinGen allele CA389589200.